The following is an entry in ClinVar:

ClinVar aggregate classification (germline): Uncertain significance. Review status: criteria provided, multiple submitters, no conflicts (2 of 4 stars). 2 submissions from 2 submitters: Uncertain significance (2). Last evaluated 2024-06-11.

Conditions:
Familial thoracic aortic aneurysm and aortic dissection (TAAD). Also called: Thoracic aortic aneurysms and dissections. Identifiers: Orphanet 91387, MedGen C4707243, MONDO:0019625.
Aortic aneurysm, familial thoracic 4 (AAT4). Also called: AORTIC ANEURYSM/AORTIC DISSECTION AND PATENT DUCTUS ARTERIOSUS. Identifiers: MedGen C1851504, MONDO:0007568, OMIM 132900.

Allele frequency attached by ClinVar (database versions not stated): gnomAD exomes below 0.00001.
gnomAD v4.1: 1 of 1,614,012 alleles (0.000062%); highest among the groups gnomAD compares: Non-Finnish European, 0.000085%; no homozygotes.

Submissions (2):

Labcorp Genetics (formerly Invitae), Labcorp
Classification: Uncertain significance for Aortic aneurysm, familial thoracic 4. Last evaluated: 2024-06-11. Review status: criteria provided, single submitter. Criteria: Invitae Variant Classification Sherloc (09022015). Collection method: clinical testing. Allele origin: germline.
Comment: This sequence change replaces threonine, which is neutral and polar, with asparagine, which is neutral and polar, at codon 1335 of the MYH11 protein (p.Thr1335Asn). This variant is not present in population databases (gnomAD no frequency). This variant has not been reported in the literature in individuals affected with MYH11-related conditions. ClinVar contains an entry for this variant (Variation ID: 915824). Advanced modeling of protein sequence and biophysical properties (such as structural, functional, and spatial information, amino acid conservation, physicochemical variation, residue mobility, and thermodynamic stability) performed at Invitae indicates that this missense variant is not expected to disrupt MYH11 protein function with a negative predictive value of 95%. In summary, the available evidence is currently insufficient to determine the role of this variant in disease. Therefore, it has been classified as a Variant of Uncertain Significance.

CHEO Genetics Diagnostic Laboratory, Children's Hospital of Eastern Ontario
Classification: Uncertain significance for Familial thoracic aortic aneurysm and aortic dissection. Last evaluated: 2018-07-04. Review status: criteria provided, single submitter. Criteria: ACMG Guidelines, 2015. Collection method: clinical testing. Allele origin: germline.

NM_002474.3(MYH11):c.3983C>A (p.Thr1328Asn)

Genes: NDE1 (nudE neurodevelopment protein 1; plus strand), MYH11 (myosin heavy chain 11; minus strand). Cytogenetic location: 16p13.11.
Variant type: single nucleotide variant.
Coding change: c.3983C>A on transcript NM_002474.3 (MANE Select); coding-DNA position 3983, C replaced by A.
Protein change: p.Thr1328Asn; replaces threonine 1328 with asparagine.
Molecular consequence: missense variant. On other transcripts: 3 prime UTR variant (2).
Genome position (GRCh38, 1-based): chr16:15,724,780, G>T on the plus strand (C>A on the coding strand, the complement: MYH11 is on the minus strand). VCF-style: chr16-15724780-G-T. GRCh37 (hg19) VCF-style: chr16-15818637-G-T.
Other names: c.4004C>A, p.Thr1335Asn (NM_001040113.2, NM_001040114.2); c.3983C>A, p.Thr1328Asn (NM_022844.3); c.*529G>T (NM_001143979.2, NM_017668.3); short protein forms T1328N, T1335N.
Identifiers: ClinVar variation 915824 (VCV000915824.4), dbSNP rs2040665153, ClinGen allele CA394858654.